The following is an entry in ClinVar:

NM_032603.5(LOXL3):c.1952G>A (p.Arg651Gln)

Gene: LOXL3 (lysyl oxidase like 3; minus strand). Cytogenetic location: 2p13.1.
Variant type: single nucleotide variant.
Coding change: c.1952G>A on transcript NM_032603.5 (MANE Select); coding-DNA position 1952, G replaced by A.
Protein change: p.Arg651Gln; replaces arginine 651 with glutamine.
Molecular consequence: missense variant.
Genome position (GRCh38, 1-based): chr2:74,534,224, C>T on the plus strand (G>A on the coding strand, the complement: LOXL3 is on the minus strand). VCF-style: chr2-74534224-C-T. GRCh37 (hg19) VCF-style: chr2-74761351-C-T.
Other names: c.1517G>A, p.Arg506Gln (NM_001289164.3); c.869G>A, p.Arg290Gln (NM_001289165.2); short protein forms R290Q, R506Q, R651Q.
Identifiers: ClinVar variation 2074303 (VCV002074303.2), dbSNP rs1024141954, ClinGen allele CA50490700.
Genomic context (GRCh38, chr2:74,534,224, plus strand): 5'-CGGTAGAGATCCCAGCAACCCACAGTGATGCCTTGCTCTCCAAAGTTGGCACACTCATAC[C>T]GCTTGGAGACATCTGGAGGGATTGGCATATGTCAGTGTAAGGAAAGGCTGTGCAATGGAT-3'
Protein context (NP_115992.1, residues 641-661): DTECQEDVSK[Arg651Gln]YECANFGEQG

ClinVar aggregate classification (germline): Uncertain significance (1 of 4 stars; one submission).

Allele frequency attached by ClinVar (database versions not stated): gnomAD 0.00001; TOPMed 0.00004.
gnomAD v4.1: 28 of 1,614,070 alleles (0.0017%); highest among the groups gnomAD compares: Non-Finnish European, 0.0019%; no homozygotes.

Submission:

Labcorp Genetics (formerly Invitae), Labcorp
Classification: Uncertain significance. Last evaluated: 2024-11-18. Review status: criteria provided, single submitter. Criteria: Invitae Variant Classification Sherloc (09022015). Collection method: clinical testing. Allele origin: germline.
Comment: This sequence change replaces arginine, which is basic and polar, with glutamine, which is neutral and polar, at codon 651 of the LOXL3 protein (p.Arg651Gln). This variant is present in population databases (no rsID available, gnomAD 0.0009%). This variant has not been reported in the literature in individuals affected with LOXL3-related conditions. ClinVar contains an entry for this variant (Variation ID: 2074303). An algorithm developed to predict the effect of missense changes on protein structure and function (PolyPhen-2) suggests that this variant is likely to be disruptive. In summary, the available evidence is currently insufficient to determine the role of this variant in disease. Therefore, it has been classified as a Variant of Uncertain Significance.